The following is an entry in ClinVar:

ClinVar aggregate classification (germline): Uncertain significance (1 of 4 stars; one submission).

Submission:

Labcorp Genetics (formerly Invitae), Labcorp
Classification: Uncertain significance. Last evaluated: 2024-04-29. Review status: criteria provided, single submitter. Criteria: Invitae Variant Classification Sherloc (09022015). Collection method: clinical testing. Allele origin: germline.
Comment: This sequence change replaces alanine, which is neutral and non-polar, with valine, which is neutral and non-polar, at codon 351 of the IMPDH1 protein (p.Ala351Val). This variant is present in population databases (rs748397513, gnomAD 0.01%). This variant has not been reported in the literature in individuals affected with IMPDH1-related conditions. An algorithm developed to predict the effect of missense changes on protein structure and function (PolyPhen-2) suggests that this variant is likely to be tolerated. Algorithms developed to predict the effect of sequence changes on RNA splicing suggest that this variant may create or strengthen a splice site. In summary, the available evidence is currently insufficient to determine the role of this variant in disease. Therefore, it has been classified as a Variant of Uncertain Significance.

NM_000883.4(IMPDH1):c.1052C>T (p.Ala351Val)

Gene: IMPDH1 (inosine monophosphate dehydrogenase 1; minus strand). Cytogenetic location: 7q32.1.
Variant type: single nucleotide variant.
Coding change: c.1052C>T on transcript NM_000883.4 (MANE Select); coding-DNA position 1052, C replaced by T.
Protein change: p.Ala351Val; replaces alanine 351 with valine.
Molecular consequence: missense variant.
Genome position (GRCh38, 1-based): chr7:128,398,436, G>A on the plus strand (C>T on the coding strand, the complement: IMPDH1 is on the minus strand). VCF-style: chr7-128398436-G-A. GRCh37 (hg19) VCF-style: chr7-128038490-G-A.
Other names: c.1022C>T, p.Ala341Val (NM_001102605.2); c.797C>T, p.Ala266Val (NM_001142573.2); c.782C>T, p.Ala261Val (NM_001142574.2); c.722C>T, p.Ala241Val (NM_001142575.2); c.953C>T, p.Ala318Val (NM_001142576.2); c.845C>T, p.Ala282Val (NM_001304521.2); c.944C>T, p.Ala315Val (NM_183243.3); short protein forms A241V, A261V, A266V, A282V, A315V, A318V, A341V, A351V.
Identifiers: ClinVar variation 3625457 (VCV003625457.2).